The following is an entry in ClinVar:

NC_000005.9:g.(?_1256219)_(1264507_?)del

Gene: TERT (telomerase reverse transcriptase; minus strand). Cytogenetic location: 5p15.33.
Variant type: Deletion.
Identifiers: ClinVar variation 3246396 (VCV003246396.1).

ClinVar aggregate classification (germline): Pathogenic (1 of 4 stars; one submission).

Conditions:
Idiopathic Pulmonary Fibrosis. Also called: Idiopathic fibrosing alveolitis, chronic form; idiopathic fibrosing alveolitis. Identifiers: Orphanet 2032, MedGen C1800706, MeSH D054990, MONDO:0800504.
Dyskeratosis congenita, autosomal dominant 2. Identifiers: MedGen C3151443, MONDO:0013521, OMIM 613989.

Submission:

Labcorp Genetics (formerly Invitae), Labcorp
Classification: Pathogenic for Dyskeratosis congenita, autosomal dominant 2; Idiopathic Pulmonary Fibrosis. Last evaluated: 2023-12-30. Review status: criteria provided, single submitter. Criteria: Invitae Variant Classification Sherloc (09022015). Collection method: clinical testing. Allele origin: unknown.
Comment: This variant is a gross deletion of the genomic region encompassing exon(s) 12-13 of the TERT gene. This variant would be expected to be in-frame, preserving the integrity of the reading frame. This variant has not been reported in the literature in individuals affected with TERT-related conditions. This variant disrupts a region of the TERT protein in which other variant(s) (p.Ala1009Val) have been determined to be pathogenic (PMID: 27836952, 30523342; Invitae). This suggests that this is a clinically significant region of the protein, and that variants that disrupt it are likely to be disease-causing. For these reasons, this variant has been classified as Pathogenic.

Literature cited by the submitters: PubMed 27836952; PubMed 30523342.